The following is an entry in ClinVar:

NM_001099403.2(PRDM8):c.1777G>C (p.Ala593Pro)

Gene: PRDM8 (PR/SET domain 8; plus strand). Cytogenetic location: 4q21.21.
Variant type: single nucleotide variant.
Coding change: c.1777G>C on transcript NM_001099403.2 (MANE Select); coding-DNA position 1777, G replaced by C.
Protein change: p.Ala593Pro; replaces alanine 593 with proline.
Molecular consequence: missense variant.
Genome position (GRCh38, 1-based): chr4:80,203,239, G>C. VCF-style: chr4-80203239-G-C. GRCh37 (hg19) VCF-style: chr4-81124393-G-C.
Other names: c.1777G>C, p.Ala593Pro (NM_020226.4); short protein forms A593P.
Identifiers: ClinVar variation 1350403 (VCV001350403.8), dbSNP rs1461303254, ClinGen allele CA357402694.

ClinVar aggregate classification (germline): Uncertain significance (1 of 4 stars; one submission).

Conditions:
Early-onset Lafora body disease. Also called: Epilepsy, progressive myoclonic, 10. Identifiers: Orphanet 324290, MedGen C4225258, MONDO:0014717, OMIM 616640.

Allele frequency attached by ClinVar (database versions not stated): gnomAD exomes below 0.00001.
gnomAD v4.1: 5 of 1,554,582 alleles (0.00032%); highest among the groups gnomAD compares: Non-Finnish European, 0.00043%; no homozygotes.

Submission:

Labcorp Genetics (formerly Invitae), Labcorp
Classification: Uncertain significance for Early-onset Lafora body disease. Last evaluated: 2024-10-16. Review status: criteria provided, single submitter. Criteria: Invitae Variant Classification Sherloc (09022015). Collection method: clinical testing. Allele origin: germline.
Comment: This sequence change replaces alanine, which is neutral and non-polar, with proline, which is neutral and non-polar, at codon 593 of the PRDM8 protein (p.Ala593Pro). This variant is not present in population databases (gnomAD no frequency). This variant has not been reported in the literature in individuals affected with PRDM8-related conditions. ClinVar contains an entry for this variant (Variation ID: 1350403). An algorithm developed to predict the effect of missense changes on protein structure and function (PolyPhen-2) suggests that this variant is likely to be disruptive. In summary, the available evidence is currently insufficient to determine the role of this variant in disease. Therefore, it has been classified as a Variant of Uncertain Significance.